The following is an entry in ClinVar:

ClinVar aggregate classification (germline): Uncertain significance (1 of 4 stars; one submission).

Allele frequency attached by ClinVar (database versions not stated): gnomAD exomes below 0.00001.
gnomAD v4.1: 5 of 1,609,050 alleles (0.00031%); highest among the groups gnomAD compares: Non-Finnish European, 0.00042%; no homozygotes.

Submission:

Labcorp Genetics (formerly Invitae), Labcorp
Classification: Uncertain significance. Last evaluated: 2024-02-17. Review status: criteria provided, single submitter. Criteria: Invitae Variant Classification Sherloc (09022015). Collection method: clinical testing. Allele origin: germline.
Comment: This sequence change replaces glycine, which is neutral and non-polar, with valine, which is neutral and non-polar, at codon 1981 of the MPDZ protein (p.Gly1981Val). This variant is not present in population databases (gnomAD no frequency). This variant has not been reported in the literature in individuals affected with MPDZ-related conditions. ClinVar contains an entry for this variant (Variation ID: 1960909). An algorithm developed to predict the effect of missense changes on protein structure and function (PolyPhen-2) suggests that this variant is likely to be disruptive. In summary, the available evidence is currently insufficient to determine the role of this variant in disease. Therefore, it has been classified as a Variant of Uncertain Significance.

NM_001378778.1(MPDZ):c.6029G>T (p.Gly2010Val)

Gene: MPDZ (multiple PDZ domain crumbs cell polarity complex component; minus strand). Cytogenetic location: 9p23.
Variant type: single nucleotide variant.
Coding change: c.6029G>T on transcript NM_001378778.1 (MANE Select); coding-DNA position 6029, G replaced by T.
Protein change: p.Gly2010Val; replaces glycine 2010 with valine.
Molecular consequence: missense variant.
Genome position (GRCh38, 1-based): chr9:13,108,973, C>A on the plus strand (G>T on the coding strand, the complement: MPDZ is on the minus strand). VCF-style: chr9-13108973-C-A. GRCh37 (hg19) VCF-style: chr9-13108972-C-A.
Other names: c.5930G>T, p.Gly1977Val (NM_001261406.2, NM_001375416.1, NM_001375417.1 and 1 more transcripts); c.5843G>T, p.Gly1948Val (NM_001261407.2, NM_001375419.1); c.6029G>T, p.Gly2010Val (NM_001330637.2); c.6128G>T, p.Gly2043Val (NM_001375413.1); c.5621G>T, p.Gly1874Val (NM_001375427.1); c.5942G>T, p.Gly1981Val (NM_003829.5); c.5819G>T, p.Gly1940Val (NM_001375420.1, NM_001375421.1, NM_001375422.1 and 2 more transcripts); c.5732G>T, p.Gly1911Val (NM_001375425.1, NM_001375426.1); short protein forms G1940V, G2010V, G1977V, G1981V, G2043V, G1874V, G1948V, G1911V.
Identifiers: ClinVar variation 1960909 (VCV001960909.5), dbSNP rs1941951275, ClinGen allele CA372938920.